The following is an entry in ClinVar:

NM_006180.6(NTRK2):c.2142C>T (p.Ser714=)

Gene: NTRK2 (neurotrophic receptor tyrosine kinase 2; plus strand). Cytogenetic location: 9q21.33.
Variant type: single nucleotide variant.
Coding change: c.2142C>T on transcript NM_006180.6 (MANE Select); coding-DNA position 2142, C replaced by T.
Protein change: p.Ser714=; no amino-acid change (serine 714 retained).
Molecular consequence: synonymous variant.
Genome position (GRCh38, 1-based): chr9:84,955,487, C>T. VCF-style: chr9-84955487-C-T. GRCh37 (hg19) VCF-style: chr9-87570402-C-T.
Other names: c.2094C>T, p.Ser698= (NM_001018064.3, NM_001369532.1, NM_001369533.1); c.2058C>T, p.Ser686= (NM_001369534.1); c.1626C>T, p.Ser542= (NM_001369535.1); c.1674C>T, p.Ser558= (NM_001369536.1); c.2142C>T (NM_006180.4).
Identifiers: ClinVar variation 3618883 (VCV003618883.3).

ClinVar aggregate classification (germline): Likely benign. Review status: criteria provided, multiple submitters, no conflicts (2 of 4 stars). 2 submissions from 2 submitters: Likely benign (2). Last evaluated 2025-08-13.

Conditions:
NTRK2-related disorder. Also called: NTRK2-related condition.

gnomAD v4.1: 3 of 1,614,186 alleles (0.00019%); highest among the groups gnomAD compares: Admixed American, 0.005%; no homozygotes.

Submissions (2):

PreventionGenetics, part of Exact Sciences
Classification: Likely benign for NTRK2-related condition. Last evaluated: 2025-08-13. Review status: criteria provided, single submitter. Criteria: ACMG Guidelines, 2015. Collection method: clinical testing. Allele origin: germline.
Comment: This variant is classified as likely benign based on ACMG/AMP sequence variant interpretation guidelines (Richards et al. 2015 PMID: 25741868, with internal and published modifications).

Labcorp Genetics (formerly Invitae), Labcorp
Classification: Likely benign. Last evaluated: 2024-04-24. Review status: criteria provided, single submitter. Criteria: Invitae Variant Classification Sherloc (09022015). Collection method: clinical testing. Allele origin: germline.